The following is an entry in ClinVar:

ClinVar aggregate classification (germline): Benign (1 of 4 stars; one submission).

Allele frequency attached by ClinVar (database versions not stated): 1000 Genomes Project 30x 0.02139; 1000 Genomes Project 0.02157; gnomAD 0.05383 and 0.05551; TOPMed 0.05457.
gnomAD v4.1: 8,216 of 152,190 alleles (5.4%); highest among the groups gnomAD compares: Middle Eastern, 9.2%; 331 homozygotes.

Submission:

GeneDx
Classification: Benign. Last evaluated: 2018-06-16. Review status: criteria provided, single submitter. Criteria: GeneDx Variant Classification (06012015). Collection method: clinical testing. Allele origin: germline. Affected: yes.
Comment: This variant is considered likely benign or benign based on one or more of the following criteria: it is a conservative change, it occurs at a poorly conserved position in the protein, it is predicted to be benign by multiple in silico algorithms, and/or has population frequency not consistent with disease.

NM_018249.6(CDK5RAP2):c.3148+315C>A

Gene: CDK5RAP2 (CDK5 regulatory subunit associated protein 2; minus strand). Cytogenetic location: 9q33.2.
Variant type: single nucleotide variant.
Coding change: c.3148+315C>A on transcript NM_018249.6 (MANE Select); 315 bases into the intron after coding-DNA position 3148, C replaced by A.
Molecular consequence: intron variant.
Genome position (GRCh38, 1-based): chr9:120,443,305, G>T on the plus strand (C>A on the coding strand, the complement: CDK5RAP2 is on the minus strand). VCF-style: chr9-120443305-G-T. GRCh37 (hg19) VCF-style: chr9-123205583-G-T.
Other names: c.2458+315C>A (NM_001272039.2); c.3148+315C>A (NM_001011649.3).
Identifiers: ClinVar variation 668862 (VCV000668862.1), dbSNP rs10984915, ClinGen allele CA199327621.
Genomic context (GRCh38, chr9:120,443,305, plus strand): 5'-ACAGGCAGCCCCGCGCTGAATACTAACAGGCTGTTGGGATGATTGTCTCCTCCGAGCTGT[G>T]GGGTCCCTAAGAGCAGGCTGTGTCTTTTCATGTTGAACCACCAGAACCCAGCCCACTGCC-3'